The following is an entry in ClinVar:

NM_020166.5(MCCC1):c.130_131delinsTT (p.Ala44Phe)

Gene: MCCC1 (methylcrotonyl-CoA carboxylase subunit 1; minus strand). Cytogenetic location: 3q27.1.
Variant type: Indel.
Coding change: c.130_131delinsTT on transcript NM_020166.5 (MANE Select); coding-DNA positions 130 to 131, GC replaced by TT.
Protein change: p.Ala44Phe; replaces alanine 44 with phenylalanine.
Molecular consequence: missense variant. On other transcripts: 5 prime UTR variant (1), non-coding transcript variant (2).
Genome position (GRCh38, 1-based): chr3:183,094,564-183,094,565, GC replaced by AA on the plus strand (GC replaced by TT on the coding strand, the reverse complement: MCCC1 is on the minus strand). VCF-style: chr3-183094564-GC-AA. GRCh37 (hg19) VCF-style: chr3-182812352-GC-AA.
Other names: c.38_39delinsTT, p.Ser13Ile (NM_001293273.2); c.-61_-60delinsTT (NM_001363880.1); c.130_131delGCinsTT (NM_020166.3); short protein forms S13I, A44F.
Identifiers: ClinVar variation 476393 (VCV000476393.37), dbSNP rs1553868919, ClinGen allele CA658657354.

ClinVar aggregate classification (germline): Uncertain significance. Review status: criteria provided, multiple submitters, no conflicts (2 of 4 stars). 5 submissions from 5 submitters: Uncertain significance (5). Last evaluated 2022-10-24.

Conditions:
3-methylcrotonyl-CoA carboxylase 1 deficiency (MCC1D). Also called: MCCD TYPE 1; METHYLCROTONYLGLYCINURIA TYPE I; MCC 1 deficiency; 3 Alpha methylcrotonylglycinuria 1. Identifiers: Orphanet 6, MedGen CN028786, MONDO:0008861, OMIM 210200.
Inborn genetic diseases. Identifiers: MedGen C0950123, MeSH D030342.

Submissions (5):

Labcorp Genetics (formerly Invitae), Labcorp
Classification: Uncertain significance for 3-methylcrotonyl-CoA carboxylase 1 deficiency. Last evaluated: 2022-10-24. Review status: criteria provided, single submitter. Criteria: Invitae Variant Classification Sherloc (09022015). Collection method: clinical testing. Allele origin: germline.
Comment: This sequence change replaces alanine, which is neutral and non-polar, with phenylalanine, which is neutral and non-polar, at codon 44 of the MCCC1 protein (p.Ala44Phe). This variant is present in population databases (no rsID available, gnomAD 4%). This variant has not been reported in the literature in individuals affected with MCCC1-related conditions. ClinVar contains an entry for this variant (Variation ID: 476393). Algorithms developed to predict the effect of missense changes on protein structure and function are either unavailable or do not agree on the potential impact of this missense change (SIFT: "Not Available"; PolyPhen-2: "Benign"; Align-GVGD: "Not Available"). In summary, the available evidence is currently insufficient to determine the role of this variant in disease. Therefore, it has been classified as a Variant of Uncertain Significance.

Ambry Genetics
Classification: Uncertain significance for Inborn genetic diseases. Last evaluated: 2021-07-28. Review status: criteria provided, single submitter. Criteria: Ambry Variant Classification Scheme 2023. Collection method: clinical testing. Allele origin: germline.
Comment: The c.130_131delGCinsTT (p.A44F) alteration, located in exon 2 (coding exon 2) of the MCCC1 gene, consists of an in-frame substitution of 2 nucleotides from position 130 to 131, causing the alanine (A) at amino acid position 44 to be replaced by a phenylalanine (F). Based on insufficient or conflicting evidence, the clinical significance of this alteration remains unclear.

CeGaT Center for Human Genetics Tuebingen
Classification: Uncertain significance. Last evaluated: 2020-03-01. Review status: criteria provided, single submitter. Criteria: CeGaT Center For Human Genetics Tuebingen Variant Classification Criteria Version 2. Collection method: clinical testing. Allele origin: germline. Affected: yes. Observed: 1 variant allele.

Baylor Genetics
Classification: Uncertain significance for 3-methylcrotonyl-CoA carboxylase 1 deficiency. Last evaluated: 2019-11-22. Review status: criteria provided, single submitter. Criteria: ACMG Guidelines, 2015. Collection method: clinical testing. Allele origin: unknown. Affected: yes.
Comment: This variant was determined to be of uncertain significance according to ACMG Guidelines, 2015 [PMID:25741868].

Blueprint Genetics
Classification: Uncertain significance. Last evaluated: 2019-08-09. Review status: criteria provided, single submitter. Criteria: ACMG Guidelines, 2015. Collection method: clinical testing. Allele origin: germline.